The following is an entry in ClinVar:

NM_004836.7(EIF2AK3):c.311C>T (p.Ser104Leu)

Gene: EIF2AK3 (eukaryotic translation initiation factor 2 alpha kinase 3; minus strand). Cytogenetic location: 2p11.2.
Variant type: single nucleotide variant.
Coding change: c.311C>T on transcript NM_004836.7 (MANE Select); coding-DNA position 311, C replaced by T.
Protein change: p.Ser104Leu; replaces serine 104 with leucine.
Molecular consequence: missense variant. On other transcripts: 5 prime UTR variant (1).
Genome position (GRCh38, 1-based): chr2:88,613,851, G>A on the plus strand (C>T on the coding strand, the complement: EIF2AK3 is on the minus strand). VCF-style: chr2-88613851-G-A. GRCh37 (hg19) VCF-style: chr2-88913369-G-A.
Other names: c.-143C>T (NM_001313915.2); short protein forms S104L.
Identifiers: ClinVar variation 2401710 (VCV002401710.3), dbSNP rs757041625, ClinGen allele CA1754955.

ClinVar aggregate classification (germline): Uncertain significance. Review status: criteria provided, multiple submitters, no conflicts (2 of 4 stars). 2 submissions from 2 submitters: Uncertain significance (2). Last evaluated 2023-06-15.

Conditions:
Inborn genetic diseases. Identifiers: MedGen C0950123, MeSH D030342.

Allele frequency attached by ClinVar (database versions not stated): ExAC 0.00001; gnomAD 0.00001; TOPMed 0.00001.
gnomAD v4.1: 7 of 1,611,096 alleles (0.00043%); highest among the groups gnomAD compares: African/African-American, 0.004%; no homozygotes.

Submissions (2):

Labcorp Genetics (formerly Invitae), Labcorp
Classification: Uncertain significance. Last evaluated: 2023-06-15. Review status: criteria provided, single submitter. Criteria: Invitae Variant Classification Sherloc (09022015). Collection method: clinical testing. Allele origin: germline.
Comment: In summary, the available evidence is currently insufficient to determine the role of this variant in disease. Therefore, it has been classified as a Variant of Uncertain Significance. An algorithm developed to predict the effect of missense changes on protein structure and function (PolyPhen-2) suggests that this variant is likely to be disruptive. ClinVar contains an entry for this variant (Variation ID: 2401710). This variant has not been reported in the literature in individuals affected with EIF2AK3-related conditions. This variant is present in population databases (rs757041625, gnomAD 0.0009%). This sequence change replaces serine, which is neutral and polar, with leucine, which is neutral and non-polar, at codon 104 of the EIF2AK3 protein (p.Ser104Leu).

Ambry Genetics
Classification: Uncertain significance for Inborn genetic diseases. Last evaluated: 2020-12-07. Review status: criteria provided, single submitter. Criteria: Ambry Variant Classification Scheme 2023. Collection method: clinical testing. Allele origin: germline.
Comment: The c.311C>T (p.S104L) alteration is located in exon 2 (coding exon 2) of the EIF2AK3 gene. This alteration results from a C to T substitution at nucleotide position 311, causing the serine (S) at amino acid position 104 to be replaced by a leucine (L). The in silico prediction for the p.S104L alteration is inconclusive. Based on insufficient or conflicting evidence, the clinical significance of this alteration remains unclear.